The following is an entry in ClinVar:

NM_024675.4(PALB2):c.156del (p.Glu53fs)

Gene: PALB2 (partner and localizer of BRCA2; minus strand). Cytogenetic location: 16p12.2.
Variant type: Deletion.
Coding change: c.156del on transcript NM_024675.4 (MANE Select); coding-DNA position 156, one base deleted (A; older notation c.156delA).
Protein change: p.Glu53fs; shifts the reading frame from glutamic acid 53.
Molecular consequence: frameshift variant.
Genome position (GRCh38, 1-based): chr16:23,637,905, T deleted on the plus strand (A on the coding strand, the reverse complement: PALB2 is on the minus strand). VCF-style (leftmost placement, unchanged base first): chr16-23637904-CT-C. GRCh37 (hg19) VCF-style: chr16-23649225-CT-C.
Other names: c.156delA (NM_024675.3).
Identifiers: ClinVar variation 143963 (VCV000143963.22), dbSNP rs587776406, ClinGen allele CA294551.

ClinVar aggregate classification (germline): Pathogenic/Likely pathogenic. Review status: criteria provided, multiple submitters, no conflicts (2 of 4 stars). 8 submissions from 8 submitters: Pathogenic (5); Likely pathogenic (1). 2 of the submissions do not count toward it. Last evaluated 2026-07-08.

Conditions:
Inherited breast cancer and ovarian cancer.
Hereditary cancer-predisposing syndrome. Also called: Neoplastic Syndromes, Hereditary; Hereditary Cancer Syndrome; Tumor predisposition; Hereditary neoplastic syndrome. Identifiers: Orphanet 140162, MedGen C0027672, MeSH D009386, MONDO:0015356.
Familial cancer of breast. Also called: BREAST CANCER, FAMILIAL; Hereditary breast cancer; hereditary breast carcinoma. Identifiers: Orphanet 227535, MedGen C0346153, MONDO:0016419, OMIM 114480. Disease mechanism: loss of function.

Allele frequency attached by ClinVar (database versions not stated): gnomAD 0.00001; TOPMed 0.00001.

Submissions (8):

Genetics Laboratory, Great Ormond Street Hospital NHS Foundation Trust, North Thames Genomic Laboratory Hub
Classification: Pathogenic for Inherited breast cancer and ovarian cancer. Last evaluated: 2026-07-08. Review status: criteria provided, single submitter. Criteria: CanVIG PALB2 Gene Specific V1.2. Collection method: clinical testing. Allele origin: germline. Affected: yes.
Comment: PM2_supporting, PVS1_very-strong, PM5_supporting

Labcorp Genetics (formerly Invitae), Labcorp
Classification: Pathogenic for Familial cancer of breast. Last evaluated: 2026-01-06. Review status: criteria provided, single submitter. Criteria: Invitae Variant Classification Sherloc (09022015). Collection method: clinical testing. Allele origin: germline.
Comment: This sequence change creates a premature translational stop signal (p.Glu53Lysfs*15) in the PALB2 gene. It is expected to result in an absent or disrupted protein product. Loss-of-function variants in PALB2 are known to be pathogenic (PMID: 17200668, 17200671, 17200672, 24136930, 25099575). This variant is not present in population databases (gnomAD no frequency). This premature translational stop signal has been observed in individual(s) with a personal and/or family history of breast cancer (PMID: 25099575, 25452441). ClinVar contains an entry for this variant (Variation ID: 143963). For these reasons, this variant has been classified as Pathogenic.

GeneDx
Classification: Pathogenic. Last evaluated: 2024-08-16. Review status: criteria provided, single submitter. Criteria: GeneDx Variant Classification Process June 2021. Collection method: clinical testing. Allele origin: germline. Affected: yes.
Comment: Frameshift variant predicted to result in protein truncation or nonsense mediated decay in a gene for which loss-of-function is a known mechanism of disease; Truncating variants in this gene are considered pathogenic by a well-established clinical consortium and/or database; Not observed in large population cohorts (gnomAD); This variant is associated with the following publications: (PMID: 25452441, 34601666, 25099575)

Ambry Genetics
Classification: Pathogenic for Hereditary cancer-predisposing syndrome. Last evaluated: 2024-06-11. Review status: criteria provided, single submitter. Criteria: Ambry Variant Classification Scheme 2023. Collection method: clinical testing. Allele origin: germline.
Comment: The c.156delA pathogenic mutation, located in coding exon 3 of the PALB2 gene, results from a deletion of one nucleotide at nucleotide position 156, causing a translational frameshift with a predicted alternate stop codon (p.E53Kfs*15). This alteration was reported in one individual from a cohort of 1824 patients with triple negative breast cancer, unselected for family history or age of onset (Couch FJ et al. J. Clin. Oncol. 2015 Feb; 33(4):304-11). In addition to the clinical data presented in the literature, this alteration is expected to result in loss of function by premature protein truncation or nonsense-mediated mRNA decay. As such, this alteration is interpreted as a disease-causing mutation.

Myriad Genetics, Inc.
Classification: Pathogenic for Familial cancer of breast. Last evaluated: 2023-09-06. Review status: criteria provided, single submitter. Criteria: Myriad Autosomal Dominant, Autosomal Recessive and X-Linked Classification Criteria (2023). Collection method: clinical testing. Allele origin: unknown.
Comment: This variant is considered pathogenic. This variant creates a frameshift predicted to result in premature protein truncation.

Baylor Genetics
Classification: Likely pathogenic for Familial cancer of breast. Last evaluated: 2023-02-02. Review status: criteria provided, single submitter. Criteria: ACMG Guidelines, 2015. Collection method: clinical testing. Allele origin: unknown.

Leiden Open Variation Database
Classification: Pathogenic for Familial cancer of breast. Last evaluated: 2019-05-13. Review status: no assertion criteria provided. Collection method: curation. Allele origin: germline. Affected: yes. Not counted in ClinVar's aggregate classification.
Comment: Curators: Marc Tischkowitz, Arleen D. Auerbach. Submitter to LOVD: Marc Tischkowitz.

SNPedia
Classification: Pathogenic. Review status: no assertion criteria provided. Collection method: not provided. Allele origin: germline. Not counted in ClinVar's aggregate classification.
ClinVar note: Converted during submission from pathogenic to Pathogenic.

Literature cited by the submitters: PubMed 17200668 (cited by Labcorp Genetics (formerly Invitae), Labcorp); PubMed 17200671 (cited by Labcorp Genetics (formerly Invitae), Labcorp); PubMed 17200672 (cited by Labcorp Genetics (formerly Invitae), Labcorp); PubMed 24136930 (cited by Labcorp Genetics (formerly Invitae), Labcorp); PubMed 25099575 (cited by 3 submitters); PubMed 25452441 (cited by Labcorp Genetics (formerly Invitae), Labcorp and Leiden Open Variation Database).